The following is an entry in ClinVar:

NM_001281740.3(FHOD3):c.1783C>T (p.Pro595Ser)

Gene: FHOD3 (formin homology 2 domain containing 3; plus strand). Cytogenetic location: 18q12.2.
Variant type: single nucleotide variant.
Coding change: c.1783C>T on transcript NM_001281740.3 (MANE Select); coding-DNA position 1783, C replaced by T.
Protein change: p.Pro595Ser; replaces proline 595 with serine.
Molecular consequence: missense variant.
Genome position (GRCh38, 1-based): chr18:36,658,136, C>T. VCF-style: chr18-36658136-C-T. GRCh37 (hg19) VCF-style: chr18-34238099-C-T.
Other names: c.1258C>T, p.Pro420Ser (NM_001281739.3, NM_025135.5); c.1783C>T (NM_001281740.2); short protein forms P420S, P595S.
Identifiers: ClinVar variation 1297614 (VCV001297614.7), dbSNP rs140934653, ClinGen allele CA8941644.

ClinVar aggregate classification (germline): Likely benign. Review status: criteria provided, multiple submitters, no conflicts (2 of 4 stars). 6 submissions from 6 submitters: Likely benign (4). 2 of the submissions do not count toward it. Last evaluated 2026-05-28.

Conditions:
FHOD3-related disorder. Also called: FHOD3-related condition.

Allele frequency attached by ClinVar (database versions not stated): ESP Exome Variant Server 0.00008; TOPMed 0.00017; gnomAD 0.00018 and 0.00019; 1000 Genomes Project 0.00060; 1000 Genomes Project 30x 0.00094.
gnomAD v4.1: 333 of 1,592,278 alleles (0.021%); highest among the groups gnomAD compares: South Asian, 0.11%; 2 homozygotes.

Submissions (6):

PreventionGenetics, part of Exact Sciences
Classification: Likely benign for FHOD3-related condition. Last evaluated: 2026-05-28. Review status: criteria provided, single submitter. Criteria: ACMG Guidelines, 2015. Collection method: clinical testing. Allele origin: germline.
Comment: This variant is classified as likely benign based on ACMG/AMP sequence variant interpretation guidelines (Richards et al. 2015 PMID: 25741868, with internal and published modifications).

Molecular Diagnostic Laboratory for Inherited Cardiovascular Disease, Montreal Heart Institute
Classification: Likely benign. Last evaluated: 2025-04-09. Review status: criteria provided, single submitter. Criteria: ACMG Guidelines, 2015. Collection method: clinical testing. Allele origin: germline. Affected: no.

Blueprint Genetics
Classification: Likely benign. Last evaluated: 2024-11-27. Review status: criteria provided, single submitter. Criteria: ACMG Guidelines, 2015. Collection method: clinical testing. Allele origin: germline.

Breakthrough Genomics
Classification: Likely benign. Review status: criteria provided, single submitter. Criteria: ACMG Guidelines, 2015. Collection method: not provided. Allele origin: germline. Inheritance: Autosomal dominant inheritance. Affected: yes.

Clinical Genetics DNA and cytogenetics Diagnostics Lab, Erasmus MC, Erasmus Medical Center
Classification: Likely benign. Review status: no assertion criteria provided. Collection method: clinical testing. Allele origin: germline. Affected: yes. Study: VKGL Data-share Consensus. Not counted in ClinVar's aggregate classification.

Joint Genome Diagnostic Labs from Nijmegen and Maastricht, Radboudumc and MUMC+
Classification: Likely benign. Review status: no assertion criteria provided. Collection method: clinical testing. Allele origin: germline. Affected: yes. Study: VKGL Data-share Consensus. Not counted in ClinVar's aggregate classification.